The following is an entry in ClinVar:

ClinVar aggregate classification (germline): Uncertain significance (1 of 4 stars; one submission).

Submission:

GeneDx
Classification: Uncertain significance. Last evaluated: 2024-03-18. Review status: criteria provided, single submitter. Criteria: GeneDx Variant Classification Process June 2021. Collection method: clinical testing. Allele origin: germline. Affected: yes.
Comment: Not observed at significant frequency in large population cohorts (gnomAD); In silico analysis supports that this missense variant has a deleterious effect on protein structure/function; Has not been previously published as pathogenic or benign to our knowledge

NM_007118.4(TRIO):c.3974G>A (p.Gly1325Asp)

Gene: TRIO (trio Rho guanine nucleotide exchange factor; plus strand). Cytogenetic location: 5p15.2.
Variant type: single nucleotide variant.
Coding change: c.3974G>A on transcript NM_007118.4 (MANE Select); coding-DNA position 3974, G replaced by A.
Protein change: p.Gly1325Asp; replaces glycine 1325 with aspartic acid.
Molecular consequence: missense variant. On other transcripts: non-coding transcript variant (1).
Genome position (GRCh38, 1-based): chr5:14,389,314, G>A. VCF-style: chr5-14389314-G-A. GRCh37 (hg19) VCF-style: chr5-14389423-G-A.
Other names: short protein forms G1325D.
Identifiers: ClinVar variation 3371164 (VCV003371164.1).